The following is an entry in ClinVar:

ClinVar aggregate classification (germline): Likely pathogenic (1 of 4 stars; one submission).

Conditions:
Microcephaly, growth restriction, and increased sister chromatid exchange 2. Identifiers: MedGen C4748176, MONDO:0020628, OMIM 618097.

Submission:

Department of Pediatrics, GMC Srinagar, Government Medical College Srinagar
Classification: Likely pathogenic for Microcephaly, growth restriction, and increased sister chromatid exchange 2. Last evaluated: 2026-08-01. Review status: criteria provided, single submitter. Criteria: ACMG Guidelines, 2015. Collection method: clinical testing. Allele origin: germline. Inheritance: Autosomal recessive inheritance. Affected: yes. Observed: 1 variant allele, 1 homozygote.
Comment: This variant (hg38 - chr17:18278167 G>A) is classified as likely pathogenic as it a stop-gain variant (LOF is mechanism of disease, NMD is predicted) and is not reported in population databases (e.g., gnomAD v.4.1.1, etc.).

NM_004618.5(TOP3A):c.2335C>T (p.Gln779Ter)

Gene: TOP3A (DNA topoisomerase III alpha; minus strand). Cytogenetic location: 17p11.2.
Variant type: single nucleotide variant.
Coding change: c.2335C>T on transcript NM_004618.5 (MANE Select); coding-DNA position 2335, C replaced by T.
Protein change: p.Gln779Ter; replaces glutamine 779 with a stop codon.
Molecular consequence: nonsense.
Genome position (GRCh38, 1-based): chr17:18,278,167, G>A on the plus strand (C>T on the coding strand, the complement: TOP3A is on the minus strand). VCF-style: chr17-18278167-G-A. GRCh37 (hg19) VCF-style: chr17-18181481-G-A.
Other names: c.2050C>T, p.Gln684Ter (NM_001320759.2); short protein forms Q684*, Q779*.
Identifiers: ClinVar variation 4884317 (VCV004884317.1).